The following is an entry in ClinVar:

NM_006231.4(POLE):c.382dup (p.Ile128fs)

Gene: POLE (DNA polymerase epsilon, catalytic subunit; minus strand). Cytogenetic location: 12q24.33.
Variant type: Duplication.
Coding change: c.382dup on transcript NM_006231.4 (MANE Select); coding-DNA position 382, one base duplicated (A; older notation c.382dupA).
Protein change: p.Ile128fs; shifts the reading frame from isoleucine 128.
Molecular consequence: frameshift variant.
Genome position (GRCh38, 1-based): chr12:132,679,995, T duplicated on the plus strand (A on the coding strand, the reverse complement: POLE is on the minus strand); the first of 4 consecutive T bases (chr12:132,679,995-132,679,998); duplicating any one gives the same sequence. VCF-style (leftmost placement, unchanged base first): chr12-132679994-A-AT. GRCh37 (hg19) VCF-style: chr12-133256580-A-AT.
Other names: short protein forms I128fs.
Identifiers: ClinVar variation 2851333 (VCV002851333.3), dbSNP rs2542190500, ClinGen allele CA2739277400.

ClinVar aggregate classification (germline): Pathogenic (1 of 4 stars; one submission).

Submission:

Labcorp Genetics (formerly Invitae), Labcorp
Classification: Pathogenic. Last evaluated: 2023-04-01. Review status: criteria provided, single submitter. Criteria: Invitae Variant Classification Sherloc (09022015). Collection method: clinical testing. Allele origin: germline.
Comment: This sequence change creates a premature translational stop signal (p.Ile128Asnfs*76) in the POLE gene. It is expected to result in an absent or disrupted protein product. Loss-of-function variants in POLE are known to be pathogenic (PMID: 23230001, 25948378, 30503519). For these reasons, this variant has been classified as Pathogenic. This variant has not been reported in the literature in individuals affected with POLE-related conditions. This variant is not present in population databases (gnomAD no frequency).

Literature cited by the submitters: PubMed 23230001; PubMed 25948378; PubMed 30503519.